The following is an entry in ClinVar:

NM_016169.4(SUFU):c.902_903del (p.Ser301fs)

Gene: SUFU (SUFU negative regulator of hedgehog signaling; plus strand). Cytogenetic location: 10q24.32.
Variant type: Microsatellite.
Coding change: c.902_903del on transcript NM_016169.4 (MANE Select); coding-DNA positions 902 to 903, 2 bases deleted (CT; older notation c.902_903delCT).
Protein change: p.Ser301fs; shifts the reading frame from serine 301.
Molecular consequence: frameshift variant.
Genome position (GRCh38, 1-based): chr10:102,597,285-102,597,286, CT deleted; deleting any 2 consecutive bases within chr10:102,597,281-102,597,286 gives the same sequence; the c. name uses the placement nearest the transcript's 3' end. VCF-style (leftmost placement, unchanged base first): chr10-102597280-ACT-A. GRCh37 (hg19) VCF-style: chr10-104357037-ACT-A.
Other names: c.902_903del, p.Ser301fs (NM_001178133.2); c.898_899CT[2], p.Ser301Trpfs (NM_016169.3); c.902_903del (NM_016169.3); c.902_903delCT (NM_016169.3); short protein forms S301fs.
Identifiers: ClinVar variation 1704680 (VCV001704680.3), dbSNP rs2545095292, ClinGen allele CA2580616859.

ClinVar aggregate classification (germline): Pathogenic/Likely pathogenic. Review status: criteria provided, multiple submitters, no conflicts (2 of 4 stars). 2 submissions from 2 submitters: Pathogenic (1); Likely pathogenic (1). Last evaluated 2024-11-21.

Conditions:
Hereditary cancer-predisposing syndrome. Also called: Tumor predisposition; Neoplastic Syndromes, Hereditary; Hereditary Cancer Syndrome; Hereditary neoplastic syndrome. Identifiers: Orphanet 140162, MedGen C0027672, MeSH D009386, MONDO:0015356.

Submissions (2):

Ambry Genetics
Classification: Pathogenic for Hereditary cancer-predisposing syndrome. Last evaluated: 2024-11-21. Review status: criteria provided, single submitter. Criteria: Ambry Variant Classification Scheme 2023. Collection method: clinical testing. Allele origin: germline.
Comment: The c.902_903delCT pathogenic mutation, located in coding exon 7 of the SUFU gene, results from a deletion of two nucleotides at nucleotide positions 902 to 903, causing a translational frameshift with a predicted alternate stop codon (p.S301Wfs*49). This variant is considered to be rare based on population cohorts in the Genome Aggregation Database (gnomAD). This alteration is expected to result in loss of function by premature protein truncation or nonsense-mediated mRNA decay. As such, this alteration is interpreted as a disease-causing mutation.

GeneDx
Classification: Likely pathogenic. Last evaluated: 2022-09-06. Review status: criteria provided, single submitter. Criteria: GeneDx Variant Classification Process June 2021. Collection method: clinical testing. Allele origin: germline. Affected: yes.
Comment: Frameshift variant predicted to result in protein truncation or nonsense mediated decay in a gene for which loss of function is a known mechanism of disease; Not observed at significant frequency in large population cohorts (gnomAD); Has not been previously published as pathogenic or benign to our knowledge; This variant is associated with the following publications: (PMID: 27535533)